The following is an entry in ClinVar:

NM_003901.4(SGPL1):c.684G>C (p.Lys228Asn)

Gene: SGPL1 (sphingosine-1-phosphate lyase 1; plus strand). Cytogenetic location: 10q22.1.
Variant type: single nucleotide variant.
Coding change: c.684G>C on transcript NM_003901.4 (MANE Select); coding-DNA position 684, G replaced by C.
Protein change: p.Lys228Asn; replaces lysine 228 with asparagine.
Molecular consequence: missense variant.
Genome position (GRCh38, 1-based): chr10:70,868,413, G>C. VCF-style: chr10-70868413-G-C. GRCh37 (hg19) VCF-style: chr10-72628170-G-C.
Other names: short protein forms K228N.
Identifiers: ClinVar variation 1479622 (VCV001479622.6), dbSNP rs191033522, ClinGen allele CA5541261.

ClinVar aggregate classification (germline): Uncertain significance. Review status: criteria provided, multiple submitters, no conflicts (2 of 4 stars). 3 submissions from 3 submitters: Uncertain significance (3). Last evaluated 2026-05-05.

Allele frequency attached by ClinVar (database versions not stated): 1000 Genomes Project 30x 0.00016; ExAC 0.00018; gnomAD exomes 0.00019 and 0.00046; 1000 Genomes Project 0.00020; TOPMed 0.00029; gnomAD 0.00032 and 0.00034; ESP Exome Variant Server 0.00062.
gnomAD v4.1: 721 of 1,613,790 alleles (0.045%); highest among the groups gnomAD compares: Non-Finnish European, 0.058%; 1 homozygote.

Submissions (3):

Women's Health and Genetics/Laboratory Corporation of America, LabCorp
Classification: Uncertain significance. Last evaluated: 2026-05-05. Review status: criteria provided, single submitter. Criteria: LabCorp Variant Classification Summary - May 2015. Collection method: clinical testing. Allele origin: germline.
Comment: Variant summary: SGPL1 c.684G>C (p.Lys228Asn) results in a non-conservative amino acid change in the encoded protein sequence. Algorithms developed to predict the effect of missense changes on protein structure and function are either unavailable or do not agree on the potential impact of this missense change. The variant allele was found at a frequency of 0.00019 in 251262 control chromosomes. This frequency is not significantly higher than estimated for disease-causing variants in SGPL1, allowing no conclusion about variant significance. To our knowledge, no occurrence of c.684G>C in individuals affected with SGPL1-related conditions and no experimental evidence demonstrating its impact on protein function have been reported. ClinVar contains an entry for this variant (Variation ID: 1479622). Based on the evidence outlined above, the variant was classified as uncertain significance.

Blueprint Genetics
Classification: Uncertain significance. Last evaluated: 2024-09-23. Review status: criteria provided, single submitter. Criteria: ACMG Guidelines, 2015. Collection method: clinical testing. Allele origin: germline.

Labcorp Genetics (formerly Invitae), Labcorp
Classification: Uncertain significance. Last evaluated: 2022-10-24. Review status: criteria provided, single submitter. Criteria: Invitae Variant Classification Sherloc (09022015). Collection method: clinical testing. Allele origin: germline.
Comment: This sequence change replaces lysine, which is basic and polar, with asparagine, which is neutral and polar, at codon 228 of the SGPL1 protein (p.Lys228Asn). This variant is present in population databases (rs191033522, gnomAD 0.04%). This variant has not been reported in the literature in individuals affected with SGPL1-related conditions. ClinVar contains an entry for this variant (Variation ID: 1479622). Advanced modeling of protein sequence and biophysical properties (such as structural, functional, and spatial information, amino acid conservation, physicochemical variation, residue mobility, and thermodynamic stability) performed at Invitae indicates that this missense variant is not expected to disrupt SGPL1 protein function. In summary, the available evidence is currently insufficient to determine the role of this variant in disease. Therefore, it has been classified as a Variant of Uncertain Significance.